The following is an entry in ClinVar:

NM_001291303.3(FAT4):c.13705G>A (p.Asp4569Asn)

Gene: FAT4 (FAT atypical cadherin 4; plus strand). Cytogenetic location: 4q28.1.
Variant type: single nucleotide variant.
Coding change: c.13705G>A on transcript NM_001291303.3 (MANE Select); coding-DNA position 13705, G replaced by A.
Protein change: p.Asp4569Asn; replaces aspartic acid 4569 with asparagine.
Molecular consequence: missense variant.
Genome position (GRCh38, 1-based): chr4:125,490,521, G>A. VCF-style: chr4-125490521-G-A. GRCh37 (hg19) VCF-style: chr4-126411676-G-A.
Other names: c.13702G>A, p.Asp4568Asn (NM_001291285.3); c.13699G>A, p.Asp4567Asn (NM_024582.6); short protein forms D4567N, D4568N, D4569N.
Identifiers: ClinVar variation 1962926 (VCV001962926.5), dbSNP rs1485569217, ClinGen allele CA358137791.

ClinVar aggregate classification (germline): Uncertain significance (1 of 4 stars; one submission).

Allele frequency attached by ClinVar (database versions not stated): TOPMed below 0.00001; gnomAD 0.00001.
gnomAD v4.1: 1 of 1,614,026 alleles (0.000062%); highest among the groups gnomAD compares: Non-Finnish European, 0.000085%; no homozygotes.

Submission:

Labcorp Genetics (formerly Invitae), Labcorp
Classification: Uncertain significance. Last evaluated: 2022-02-22. Review status: criteria provided, single submitter. Criteria: Invitae Variant Classification Sherloc (09022015). Collection method: clinical testing. Allele origin: germline.
Comment: In summary, the available evidence is currently insufficient to determine the role of this variant in disease. Therefore, it has been classified as a Variant of Uncertain Significance. Advanced modeling of protein sequence and biophysical properties (such as structural, functional, and spatial information, amino acid conservation, physicochemical variation, residue mobility, and thermodynamic stability) performed at Invitae indicates that this missense variant is not expected to disrupt FAT4 protein function. This variant has not been reported in the literature in individuals affected with FAT4-related conditions. This variant is not present in population databases (gnomAD no frequency). This sequence change replaces aspartic acid, which is acidic and polar, with asparagine, which is neutral and polar, at codon 4567 of the FAT4 protein (p.Asp4567Asn).